The following is an entry in ClinVar:

ClinVar aggregate classification (germline): Benign/Likely benign. Review status: criteria provided, multiple submitters, no conflicts (2 of 4 stars). 14 submissions from 14 submitters: Benign (6); Likely benign (3). 5 of the submissions do not count toward it. Last evaluated 2026-08-01.

Conditions:
PRDM16-related disorder. Also called: PRDM16-related condition.
Left ventricular noncompaction 8 (LVNC8). Identifiers: Orphanet 154, Orphanet 54260, MedGen C3809288, MONDO:0014152, OMIM 615373.

Allele frequency attached by ClinVar (database versions not stated): gnomAD 0.00144 and 0.00151; ESP Exome Variant Server 0.00151; TOPMed 0.00159; 1000 Genomes Project 0.00160; 1000 Genomes Project 30x 0.00172; gnomAD exomes 0.00181 and 0.00211; ExAC 0.00204.
gnomAD v4.1: 3,345 of 1,613,524 alleles (0.21%); highest among the groups gnomAD compares: Middle Eastern, 0.25%; 12 homozygotes.

Submissions (14):

CeGaT Center for Human Genetics Tuebingen
Classification: Likely benign. Last evaluated: 2026-08-01. Review status: criteria provided, single submitter. Criteria: CeGaT Center For Human Genetics Tuebingen Variant Classification Criteria Version 2. Collection method: clinical testing. Allele origin: germline. Affected: yes. Observed: 6 variant alleles.
Comment: PRDM16: BP4, BP7

Labcorp Genetics (formerly Invitae), Labcorp
Classification: Benign for Left ventricular noncompaction 8. Last evaluated: 2026-01-25. Review status: criteria provided, single submitter. Criteria: Invitae Variant Classification Sherloc (09022015). Collection method: clinical testing. Allele origin: germline.

Mayo Clinic Laboratories, Mayo Clinic
Classification: Benign. Last evaluated: 2025-09-17. Review status: criteria provided, single submitter. Criteria: ACMG Guidelines, 2015. Collection method: clinical testing. Allele origin: germline. Observed: 2 variant alleles.
Comment: BS1, BS2, BP4, BP7

Women's Health and Genetics/Laboratory Corporation of America, LabCorp
Classification: Benign. Last evaluated: 2025-04-07. Review status: criteria provided, single submitter. Criteria: LabCorp Variant Classification Summary - May 2015. Collection method: clinical testing. Allele origin: germline.

Blueprint Genetics
Classification: Likely benign. Last evaluated: 2024-11-26. Review status: criteria provided, single submitter. Criteria: ACMG Guidelines, 2015. Collection method: clinical testing. Allele origin: germline.

ARUP Laboratories, Molecular Genetics and Genomics, ARUP Laboratories
Classification: Benign. Last evaluated: 2024-11-21. Review status: criteria provided, single submitter. Criteria: ARUP Molecular Germline Variant Investigation Process 2024. Collection method: clinical testing. Allele origin: germline.

Fulgent Genetics
Classification: Likely benign for Left ventricular noncompaction 8. Last evaluated: 2022-05-02. Review status: criteria provided, single submitter. Criteria: ACMG Guidelines, 2015. Collection method: clinical testing. Allele origin: unknown.

GeneDx
Classification: Benign. Last evaluated: 2019-08-05. Review status: criteria provided, single submitter. Criteria: GeneDx Variant Classification Process June 2021. Collection method: clinical testing. Allele origin: germline. Affected: yes.

Breakthrough Genomics
Classification: Benign. Review status: criteria provided, single submitter. Criteria: ACMG Guidelines, 2015. Collection method: not provided. Allele origin: germline. Inheritance: Autosomal dominant inheritance. Affected: yes.

PreventionGenetics, part of Exact Sciences
Classification: Benign for PRDM16-related condition. Last evaluated: 2019-05-20. Review status: no assertion criteria provided. Collection method: clinical testing. Allele origin: germline. Not counted in ClinVar's aggregate classification.
Comment: This variant is classified as benign based on ACMG/AMP sequence variant interpretation guidelines (Richards et al. 2015 PMID: 25741868, with internal and published modifications).

Clinical Genetics DNA and cytogenetics Diagnostics Lab, Erasmus MC, Erasmus Medical Center
Classification: Likely benign. Review status: no assertion criteria provided. Collection method: clinical testing. Allele origin: germline. Affected: yes. Study: VKGL Data-share Consensus. Not counted in ClinVar's aggregate classification.

Clinical Genetics, Academic Medical Center
Classification: Benign. Review status: no assertion criteria provided. Collection method: clinical testing. Allele origin: germline. Affected: yes. Study: VKGL Data-share Consensus. Not counted in ClinVar's aggregate classification.

Diagnostic Laboratory, Department of Genetics, University Medical Center Groningen
Classification: Likely benign. Review status: no assertion criteria provided. Collection method: clinical testing. Allele origin: germline. Affected: yes. Study: VKGL Data-share Consensus. Not counted in ClinVar's aggregate classification.

Joint Genome Diagnostic Labs from Nijmegen and Maastricht, Radboudumc and MUMC+
Classification: Benign. Review status: no assertion criteria provided. Collection method: clinical testing. Allele origin: germline. Affected: yes. Study: VKGL Data-share Consensus. Not counted in ClinVar's aggregate classification.

NM_022114.4(PRDM16):c.3102C>T (p.Asn1034=)

Gene: PRDM16 (PR/SET domain 16; plus strand). Cytogenetic location: 1p36.32.
Variant type: single nucleotide variant.
Coding change: c.3102C>T on transcript NM_022114.4 (MANE Select); coding-DNA position 3102, C replaced by T.
Protein change: p.Asn1034=; no amino-acid change (asparagine 1034 retained).
Molecular consequence: synonymous variant.
Genome position (GRCh38, 1-based): chr1:3,425,743, C>T. VCF-style: chr1-3425743-C-T. GRCh37 (hg19) VCF-style: chr1-3342307-C-T.
Other names: p.Asn1034=; c.3102C>T, p.Asn1034= (NM_199454.3).
Identifiers: ClinVar variation 241428 (VCV000241428.51), dbSNP rs199853370, ClinGen allele CA544705.